The following is an entry in ClinVar:

NM_000540.3(RYR1):c.13335del (p.Phe4446fs)

Genes: RYR1 (ryanodine receptor 1; plus strand), LOC130064357 (ATAC-STARR-seq lymphoblastoid silent region 10577; plus strand). Cytogenetic location: 19q13.2.
Variant type: Deletion.
Coding change: c.13335del on transcript NM_000540.3 (MANE Select); coding-DNA position 13335, one base deleted (C; older notation c.13335delC).
Protein change: p.Phe4446fs; shifts the reading frame from phenylalanine 4446.
Molecular consequence: frameshift variant.
Genome position (GRCh38, 1-based): chr19:38,565,669, C deleted; the last of 4 consecutive C bases (chr19:38,565,666-38,565,669); deleting any one gives the same sequence. VCF-style (leftmost placement, unchanged base first): chr19-38565665-GC-G. GRCh37 (hg19) VCF-style: chr19-39056305-GC-G.
Other names: c.13320del, p.Phe4441fs (NM_001042723.2); c.13335delC (NM_000540.2); short protein forms F4441fs, F4446fs.
Identifiers: ClinVar variation 544434 (VCV000544434.7), dbSNP rs1555800097, ClinGen allele CA658799216.

ClinVar aggregate classification (germline): Pathogenic (1 of 4 stars; one submission).

Conditions:
RYR1-related disorder. Also called: RYR1-related condition; RYR1-related disorders. Identifiers: MedGen CN239331.

Submission:

Labcorp Genetics (formerly Invitae), Labcorp
Classification: Pathogenic for RYR1-related disorder. Last evaluated: 2023-11-17. Review status: criteria provided, single submitter. Criteria: Invitae Variant Classification Sherloc (09022015). Collection method: clinical testing. Allele origin: germline.
Comment: This sequence change creates a premature translational stop signal (p.Phe4446Serfs*105) in the RYR1 gene. It is expected to result in an absent or disrupted protein product. Loss-of-function variants in RYR1 are known to be pathogenic (PMID: 23919265, 25960145, 28818389, 30611313). This variant is not present in population databases (gnomAD no frequency). This variant has not been reported in the literature in individuals affected with RYR1-related conditions. ClinVar contains an entry for this variant (Variation ID: 544434). For these reasons, this variant has been classified as Pathogenic.

Literature cited by the submitters: PubMed 23919265; PubMed 25960145; PubMed 28818389; PubMed 30611313.